The following is an entry in ClinVar:

ClinVar aggregate classification (germline): Likely pathogenic (1 of 4 stars; one submission).

Conditions:
Ataxia-telangiectasia syndrome (AT). Also called: Ataxia-telangiectasia, complementation group D; AT, COMPLEMENTATION GROUP C; ATAXIA-TELANGIECTASIA, COMPLEMENTATION GROUP A; ATAXIA-TELANGIECTASIA, FRESNO VARIANT; Ataxia-telangiectasia; Ataxia-telangiectasia, complementation group E. Identifiers: Orphanet 100, MedGen C0004135, MONDO:0008840, OMIM 208900.

Submission:

Labcorp Genetics (formerly Invitae), Labcorp
Classification: Likely pathogenic for Ataxia-telangiectasia syndrome. Last evaluated: 2025-01-14. Review status: criteria provided, single submitter. Criteria: Invitae Variant Classification Sherloc (09022015). Collection method: clinical testing. Allele origin: germline.
Comment: This sequence change replaces isoleucine, which is neutral and non-polar, with lysine, which is basic and polar, at codon 2702 of the ATM protein (p.Ile2702Lys). This variant is not present in population databases (gnomAD no frequency). This variant has not been reported in the literature in individuals affected with ATM-related conditions. Invitae Evidence Modeling of protein sequence and biophysical properties (such as structural, functional, and spatial information, amino acid conservation, physicochemical variation, residue mobility, and thermodynamic stability) indicates that this missense variant is expected to disrupt ATM protein function with a positive predictive value of 95%. This variant disrupts the p.Ile2702 amino acid residue in ATM. Other variant(s) that disrupt this residue have been determined to be pathogenic (PMID: 12815592). This suggests that this residue is clinically significant, and that variants that disrupt this residue are likely to be disease-causing. In summary, the currently available evidence indicates that the variant is pathogenic, but additional data are needed to prove that conclusively. Therefore, this variant has been classified as Likely Pathogenic.

Literature cited by the submitters: PubMed 12815592.

NM_000051.4(ATM):c.8105T>A (p.Ile2702Lys)

Genes: ATM (ATM serine/threonine kinase; plus strand), C11orf65 (chromosome 11 open reading frame 65; minus strand). Cytogenetic location: 11q22.3.
Variant type: single nucleotide variant.
Coding change: c.8105T>A on transcript NM_000051.4 (MANE Select); coding-DNA position 8105, T replaced by A.
Protein change: p.Ile2702Lys; replaces isoleucine 2702 with lysine.
Molecular consequence: missense variant. On other transcripts: intron variant (2).
Genome position (GRCh38, 1-based): chr11:108,335,063, T>A. VCF-style: chr11-108335063-T-A. GRCh37 (hg19) VCF-style: chr11-108205790-T-A.
Other names: c.8105T>A, p.Ile2702Lys (NM_001351834.2); c.641-25992A>T (NM_001330368.2); c.*38+157A>T (NM_001351110.2); short protein forms I2702K.
Identifiers: ClinVar variation 3720481 (VCV003720481.2).